The following is an entry in ClinVar:

NM_020699.4(GATAD2B):c.414dup (p.Ser139fs)

Gene: GATAD2B (GATA zinc finger domain containing 2B; minus strand). Cytogenetic location: 1q21.3.
Variant type: Duplication.
Coding change: c.414dup on transcript NM_020699.4 (MANE Select); coding-DNA position 414, one base duplicated (C; older notation c.414dupC).
Protein change: p.Ser139fs; shifts the reading frame from serine 139.
Molecular consequence: frameshift variant.
Genome position (GRCh38, 1-based): chr1:153,819,657, G duplicated on the plus strand (C on the coding strand, the reverse complement: GATAD2B is on the minus strand); the first of 2 consecutive G bases (chr1:153,819,657-153,819,658); duplicating either gives the same sequence. VCF-style (leftmost placement, unchanged base first): chr1-153819656-T-TG. GRCh37 (hg19) VCF-style: chr1-153792132-T-TG.
Other names: short protein forms S139fs.
Identifiers: ClinVar variation 3775728 (VCV003775728.1).

ClinVar aggregate classification (germline): Likely pathogenic (1 of 4 stars; one submission).

Conditions:
Severe intellectual disability-poor language-strabismus-grimacing face-long fingers syndrome (GAND). Also called: GAND SYNDROME. Identifiers: Orphanet 363686, MedGen C3554448, MONDO:0014034, OMIM 615074.

Submission:

3billion
Classification: Likely pathogenic for Severe intellectual disability-poor language-strabismus-grimacing face-long fingers syndrome. Last evaluated: 2023-12-04. Review status: criteria provided, single submitter. Criteria: ACMG Guidelines, 2015. Collection method: clinical testing. Allele origin: germline. Affected: yes.
Comment: The variant is not observed in the gnomAD v2.1.1 dataset. Predicted Consequence/Location: Frameshift: predicted to result in a loss or disruption of normal protein function through nonsense-mediated decay (NMD) or protein truncation. Multiple pathogenic variants are reported downstream of the variant. Therefore, this variant is classified as Likely pathogenic according to the recommendation of ACMG/AMP guideline.